The following is an entry in ClinVar:

ClinVar aggregate classification (germline): Uncertain significance. Review status: criteria provided, multiple submitters, no conflicts (2 of 4 stars). 5 submissions from 5 submitters: Uncertain significance (4). 1 of the submissions does not count toward it. Last evaluated 2024-07-06.

Conditions:
APC-related disorder. Also called: APC-related condition.
Hereditary cancer-predisposing syndrome. Also called: Hereditary neoplastic syndrome; Neoplastic Syndromes, Hereditary; Tumor predisposition; Hereditary Cancer Syndrome. Identifiers: Orphanet 140162, MedGen C0027672, MeSH D009386, MONDO:0015356.
Familial adenomatous polyposis 1 (FAP1). Also called: POLYPOSIS, ADENOMATOUS INTESTINAL; FAMILIAL ADENOMATOUS POLYPOSIS 1, ATTENUATED. Identifiers: MedGen C2713442, MONDO:0021056, OMIM 175100. Disease mechanism: loss of function.

gnomAD v4.1: 1 of 1,612,830 alleles (0.000062%); highest among the groups gnomAD compares: Non-Finnish European, 0.000085%; no homozygotes.

Submissions (5):

Labcorp Genetics (formerly Invitae), Labcorp
Classification: Uncertain significance for Familial adenomatous polyposis 1. Last evaluated: 2024-07-06. Review status: criteria provided, single submitter. Criteria: Invitae Variant Classification Sherloc (09022015). Collection method: clinical testing. Allele origin: germline.
Comment: This sequence change replaces histidine, which is basic and polar, with arginine, which is basic and polar, at codon 1845 of the APC protein (p.His1845Arg). This variant is not present in population databases (gnomAD no frequency). This variant has not been reported in the literature in individuals affected with APC-related conditions. ClinVar contains an entry for this variant (Variation ID: 1319597). Advanced modeling of protein sequence and biophysical properties (such as structural, functional, and spatial information, amino acid conservation, physicochemical variation, residue mobility, and thermodynamic stability) performed at Invitae indicates that this missense variant is not expected to disrupt APC protein function with a negative predictive value of 95%. In summary, the available evidence is currently insufficient to determine the role of this variant in disease. Therefore, it has been classified as a Variant of Uncertain Significance.

Baylor Genetics
Classification: Uncertain significance for Familial adenomatous polyposis 1. Last evaluated: 2023-09-01. Review status: criteria provided, single submitter. Criteria: ACMG Guidelines, 2015. Collection method: clinical testing. Allele origin: unknown.

Ambry Genetics
Classification: Uncertain significance for Hereditary cancer-predisposing syndrome. Last evaluated: 2023-02-07. Review status: criteria provided, single submitter. Criteria: Ambry Variant Classification Scheme 2023. Collection method: clinical testing. Allele origin: germline.
Comment: The p.H1845R variant (also known as c.5534A>G), located in coding exon 15 of the APC gene, results from an A to G substitution at nucleotide position 5534. The histidine at codon 1845 is replaced by arginine, an amino acid with highly similar properties. This amino acid position is highly conserved in available vertebrate species. In addition, in silico predictors for this gene do not accurately predict pathogenicity. Since supporting evidence is limited at this time, the clinical significance of this alteration remains unclear.

Institute for Clinical Genetics, University Hospital TU Dresden, University Hospital TU Dresden
Classification: Uncertain significance. Last evaluated: 2021-11-03. Review status: criteria provided, single submitter. Criteria: ACMG Guidelines, 2015. Collection method: clinical testing. Allele origin: germline.

PreventionGenetics, part of Exact Sciences
Classification: Uncertain significance for APC-related condition. Last evaluated: 2024-08-15. Review status: no assertion criteria provided. Collection method: clinical testing. Allele origin: germline. Not counted in ClinVar's aggregate classification.
Comment: The APC c.5534A>G variant is predicted to result in the amino acid substitution p.His1845Arg. To our knowledge, this variant has not been reported in the literature or in gnomAD, indicating this variant is rare. This variant is classified as a variant of uncertain significance in ClinVar. At this time, the clinical significance of this variant is uncertain due to the absence of conclusive functional and genetic evidence.

NM_000038.6(APC):c.5534A>G (p.His1845Arg)

Gene: APC (APC regulator of Wnt signaling pathway; plus strand). Cytogenetic location: 5q22.2.
Variant type: single nucleotide variant.
Coding change: c.5534A>G on transcript NM_000038.6 (MANE Select); coding-DNA position 5534, A replaced by G.
Protein change: p.His1845Arg; replaces histidine 1845 with arginine.
Molecular consequence: missense variant.
Genome position (GRCh38, 1-based): chr5:112,841,128, A>G. VCF-style: chr5-112841128-A-G. GRCh37 (hg19) VCF-style: chr5-112176825-A-G.
Other names: c.5534A>G, p.His1845Arg (NM_001127510.3, NM_001354895.2); c.5480A>G, p.His1827Arg (NM_001127511.3); c.5588A>G, p.His1863Arg (NM_001354896.2); c.5564A>G, p.His1855Arg (NM_001354897.2); c.5459A>G, p.His1820Arg (NM_001354898.2); c.5450A>G, p.His1817Arg (NM_001354899.2); c.5411A>G, p.His1804Arg (NM_001354900.2); c.5357A>G, p.His1786Arg (NM_001354901.2); and 5 more; short protein forms H1562R, H1685R, H1719R, H1744R, H1754R, H1786R, H1804R, H1817R.
Identifiers: ClinVar variation 1319597 (VCV001319597.10), dbSNP rs2149942629, ClinGen allele CA16033440.
Genomic context (GRCh38, chr5:112,841,128, plus strand): 5'-ATAAGCTCCCAAATAATGAAGATAGAGTCAGAGGAAGTTTTGCTTTTGATTCACCTCATC[A>G]TTACACGCCTATTGAAGGAACTCCTTACTGTTTTTCACGAAATGATTCTTTGAGTTCTCT-3'
Protein context (NP_000029.2, residues 1835-1855): RGSFAFDSPH[His1845Arg]YTPIEGTPYC